The following is an entry in ClinVar:

NM_021098.3(CACNA1H):c.5446-1G>A

Gene: CACNA1H (calcium voltage-gated channel subunit alpha1 H; plus strand). Cytogenetic location: 16p13.3.
Variant type: single nucleotide variant.
Coding change: c.5446-1G>A on transcript NM_021098.3 (MANE Select); the canonical splice acceptor site of the intron before coding-DNA position 5446, G replaced by A.
Molecular consequence: splice acceptor variant.
Genome position (GRCh38, 1-based): chr16:1,218,209, G>A. VCF-style: chr16-1218209-G-A. GRCh37 (hg19) VCF-style: chr16-1268209-G-A.
Other names: c.5428-1G>A (NM_001005407.2).
Identifiers: ClinVar variation 3067609 (VCV003067609.21), dbSNP rs2548728006, ClinGen allele CA394147190.

ClinVar aggregate classification (germline): Uncertain significance (1 of 4 stars; one submission).

Submission:

CeGaT Center for Human Genetics Tuebingen
Classification: Uncertain significance. Last evaluated: 2024-03-01. Review status: criteria provided, single submitter. Criteria: CeGaT Center For Human Genetics Tuebingen Variant Classification Criteria Version 2. Collection method: clinical testing. Allele origin: germline. Affected: yes. Observed: 1 variant allele.
Comment: CACNA1H: PM2, PP3